The following is an entry in ClinVar:

NM_000308.4(CTSA):c.94C>T (p.Gln32Ter)

Genes: CTSA (cathepsin A; plus strand), LOC130065974 (ATAC-STARR-seq lymphoblastoid active region 17954; plus strand). Cytogenetic location: 20q13.12.
Variant type: single nucleotide variant.
Coding change: c.94C>T on transcript NM_000308.4 (MANE Select); coding-DNA position 94, C replaced by T.
Protein change: p.Gln32Ter; replaces glutamine 32 with a stop codon.
Molecular consequence: nonsense. On other transcripts: non-coding transcript variant (1).
Genome position (GRCh38, 1-based): chr20:45,891,662, C>T. VCF-style: chr20-45891662-C-T. GRCh37 (hg19) VCF-style: chr20-44520301-C-T.
Other names: c.94C>T, p.Gln32Ter (NM_001127695.3, NM_001167594.3); short protein forms Q32*.
Identifiers: ClinVar variation 2841707 (VCV002841707.3), dbSNP rs2515432127, ClinGen allele CA409247904.

ClinVar aggregate classification (germline): Pathogenic (1 of 4 stars; one submission).

Conditions:
Combined deficiency of sialidase AND beta galactosidase (GSL). Also called: Galactosialidosis; CATHEPSIN A DEFICIENCY; GOLDBERG SYNDROME; NEURAMINIDASE DEFICIENCY WITH BETA-GALACTOSIDASE DEFICIENCY; NEURAMINIDASE/BETA-GALACTOSIDASE EXPRESSION; PPCA DEFICIENCY. Identifiers: Orphanet 351, MedGen C0268233, MONDO:0009737, OMIM 256540.

gnomAD v4.1: 1 of 1,612,714 alleles (0.000062%); no homozygotes.

Submission:

Labcorp Genetics (formerly Invitae), Labcorp
Classification: Pathogenic for Combined deficiency of sialidase AND beta galactosidase. Last evaluated: 2023-03-01. Review status: criteria provided, single submitter. Criteria: Invitae Variant Classification Sherloc (09022015). Collection method: clinical testing. Allele origin: germline.
Comment: This variant is not present in population databases (gnomAD no frequency). This variant has not been reported in the literature in individuals affected with CTSA-related conditions. For these reasons, this variant has been classified as Pathogenic. This sequence change creates a premature translational stop signal (p.Gln50*) in the CTSA gene. It is expected to result in an absent or disrupted protein product. Loss-of-function variants in CTSA are known to be pathogenic (PMID: 15110321, 23915561).

Literature cited by the submitters: PubMed 15110321; PubMed 23915561.